The following is an entry in ClinVar:

NM_001363540.2(DOCK4):c.3316-10T>G

Gene: DOCK4 (dedicator of cytokinesis 4; minus strand). Cytogenetic location: 7q31.1.
Variant type: single nucleotide variant.
Coding change: c.3316-10T>G on transcript NM_001363540.2 (MANE Select); 10 bases into the intron before coding-DNA position 3316, T replaced by G.
Molecular consequence: intron variant.
Genome position (GRCh38, 1-based): chr7:111,788,757, A>C on the plus strand (T>G on the coding strand, the complement: DOCK4 is on the minus strand). VCF-style: chr7-111788757-A-C. GRCh37 (hg19) VCF-style: chr7-111428813-A-C.
Other names: c.3316-10T>G (NM_014705.4).
Identifiers: ClinVar variation 3344897 (VCV003344897.1).

ClinVar aggregate classification (germline): Uncertain significance (0 of 4 stars; one submission).

Conditions:
DOCK4-related disorder. Also called: DOCK4-related condition.

Submission:

PreventionGenetics, part of Exact Sciences
Classification: Uncertain significance for DOCK4-related condition. Last evaluated: 2024-06-20. Review status: no assertion criteria provided. Collection method: clinical testing. Allele origin: germline.
Comment: The DOCK4 c.3316-10T>G variant is predicted to interfere with splicing. This variant is predicted to alter splicing based on available splicing prediction programs (SpliceAI, Jaganathan et al. 2019. PubMed ID: 30661751), however such computer prediction programs are imperfect. To our knowledge, this variant has not been reported in the literature or in gnomAD, indicating this variant is rare. At this time, the clinical significance of this variant is uncertain due to the absence of conclusive functional and genetic evidence.